The following is an entry in ClinVar:

ClinVar aggregate classification (germline): Uncertain significance. Review status: criteria provided, multiple submitters, no conflicts (2 of 4 stars). 2 submissions from 2 submitters: Uncertain significance (2). Last evaluated 2025-07-15.

Conditions:
Inborn genetic diseases. Identifiers: MedGen C0950123, MeSH D030342.

Allele frequency attached by ClinVar (database versions not stated): gnomAD exomes below 0.00001; ExAC 0.00002; gnomAD 0.00007; TOPMed 0.00007.
gnomAD v4.1: 15 of 1,559,890 alleles (0.00096%); highest among the groups gnomAD compares: African/African-American, 0.02%; no homozygotes.

Submissions (2):

Ambry Genetics
Classification: Uncertain significance for Inborn genetic diseases. Last evaluated: 2025-07-15. Review status: criteria provided, single submitter. Criteria: Ambry Variant Classification Scheme 2023. Collection method: clinical testing. Allele origin: germline.

Labcorp Genetics (formerly Invitae), Labcorp
Classification: Uncertain significance. Last evaluated: 2022-04-28. Review status: criteria provided, single submitter. Criteria: Invitae Variant Classification Sherloc (09022015). Collection method: clinical testing. Allele origin: germline.
Comment: In summary, the available evidence is currently insufficient to determine the role of this variant in disease. Therefore, it has been classified as a Variant of Uncertain Significance. Algorithms developed to predict the effect of missense changes on protein structure and function are either unavailable or do not agree on the potential impact of this missense change (SIFT: "Deleterious"; PolyPhen-2: "Probably Damaging"; Align-GVGD: "Class C0"). This variant has not been reported in the literature in individuals affected with HTRA2-related conditions. This variant is present in population databases (rs745948813, gnomAD 0.02%). This sequence change replaces glycine, which is neutral and non-polar, with valine, which is neutral and non-polar, at codon 9 of the HTRA2 protein (p.Gly9Val).

NM_013247.5(HTRA2):c.26G>T (p.Gly9Val)

Gene: HTRA2 (HtrA serine peptidase 2; plus strand). Cytogenetic location: 2p13.1.
Variant type: single nucleotide variant.
Coding change: c.26G>T on transcript NM_013247.5 (MANE Select); coding-DNA position 26, G replaced by T.
Protein change: p.Gly9Val; replaces glycine 9 with valine.
Molecular consequence: missense variant. On other transcripts: non-coding transcript variant (1).
Genome position (GRCh38, 1-based): chr2:74,530,032, G>T. VCF-style: chr2-74530032-G-T. GRCh37 (hg19) VCF-style: chr2-74757159-G-T.
Other names: c.26G>T, p.Gly9Val (NM_001321727.1, NM_001321728.1, NM_145074.2); short protein forms G9V.
Identifiers: ClinVar variation 1979756 (VCV001979756.4), dbSNP rs745948813, ClinGen allele CA1728276.